The following is an entry in ClinVar:

ClinVar aggregate classification (germline): Uncertain significance. Review status: criteria provided, multiple submitters, no conflicts (2 of 4 stars). 2 submissions from 2 submitters: Uncertain significance (2). Last evaluated 2025-09-04.

Conditions:
Renal cell carcinoma. Identifiers: Orphanet 217071, MedGen C0007134, MeSH D002292, MONDO:0005086, HP:0005584.
Hereditary cancer-predisposing syndrome. Also called: Neoplastic Syndromes, Hereditary; Hereditary Cancer Syndrome; Tumor predisposition; Hereditary neoplastic syndrome. Identifiers: Orphanet 140162, MedGen C0027672, MeSH D009386, MONDO:0015356.

Allele frequency attached by ClinVar (database versions not stated): gnomAD exomes below 0.00001.

Submissions (2):

Labcorp Genetics (formerly Invitae), Labcorp
Classification: Uncertain significance for Renal cell carcinoma. Last evaluated: 2025-09-04. Review status: criteria provided, single submitter. Criteria: Invitae Variant Classification Sherloc (09022015). Collection method: clinical testing. Allele origin: germline.
Comment: This sequence change replaces glycine, which is neutral and non-polar, with aspartic acid, which is acidic and polar, at codon 10 of the MET protein (p.Gly10Asp). This variant is not present in population databases (gnomAD no frequency). This variant has not been reported in the literature in individuals affected with MET-related conditions. ClinVar contains an entry for this variant (Variation ID: 970706). Invitae Evidence Modeling of protein sequence and biophysical properties (such as structural, functional, and spatial information, amino acid conservation, physicochemical variation, residue mobility, and thermodynamic stability) indicates that this missense variant is not expected to disrupt MET protein function with a negative predictive value of 80%. In summary, the available evidence is currently insufficient to determine the role of this variant in disease. Therefore, it has been classified as a Variant of Uncertain Significance.

Ambry Genetics
Classification: Uncertain significance for Hereditary cancer-predisposing syndrome. Last evaluated: 2023-08-22. Review status: criteria provided, single submitter. Criteria: Ambry Variant Classification Scheme 2023. Collection method: clinical testing. Allele origin: germline.
Comment: The p.G10D variant (also known as c.29G>A), located in coding exon 1 of the MET gene, results from a G to A substitution at nucleotide position 29. The glycine at codon 10 is replaced by aspartic acid, an amino acid with similar properties. This amino acid position is well conserved in available vertebrate species. In addition, the in silico prediction for this alteration is inconclusive. Since supporting evidence is limited at this time, the clinical significance of this alteration remains unclear.

NM_000245.4(MET):c.29G>A (p.Gly10Asp)

Gene: MET (MET proto-oncogene, receptor tyrosine kinase; plus strand). Cytogenetic location: 7q31.2.
Variant type: single nucleotide variant.
Coding change: c.29G>A on transcript NM_000245.4 (MANE Select); coding-DNA position 29, G replaced by A.
Protein change: p.Gly10Asp; replaces glycine 10 with aspartic acid.
Molecular consequence: missense variant. On other transcripts: intron variant (1).
Genome position (GRCh38, 1-based): chr7:116,699,113, G>A. VCF-style: chr7-116699113-G-A. GRCh37 (hg19) VCF-style: chr7-116339167-G-A.
Other names: c.29G>A, p.Gly10Asp (NM_001127500.3, NM_001324401.3); c.-91+26536G>A (NM_001324402.2); short protein forms G10D.
Identifiers: ClinVar variation 970706 (VCV000970706.9), dbSNP rs919828654, ClinGen allele CA164887586.